The following is an entry in ClinVar:

ClinVar aggregate classification (germline): Benign (0 of 4 stars; one submission).

Conditions:
CMSS1-related disorder. Also called: CMSS1-related condition.

Allele frequency attached by ClinVar (database versions not stated): gnomAD exomes 0.00082; ExAC 0.00228; 1000 Genomes Project 0.00659; 1000 Genomes Project 30x 0.00687; gnomAD 0.00727; ESP Exome Variant Server 0.00773; TOPMed 0.00867.
gnomAD v4.1: 2,382 of 1,613,276 alleles (0.15%); highest among the groups gnomAD compares: African/African-American, 2.5%; 38 homozygotes.

Submission:

PreventionGenetics, part of Exact Sciences
Classification: Benign for CMSS1-related condition. Last evaluated: 2019-02-21. Review status: no assertion criteria provided. Collection method: clinical testing. Allele origin: germline.
Comment: This variant is classified as benign based on ACMG/AMP sequence variant interpretation guidelines (Richards et al. 2015 PMID: 25741868, with internal and published modifications).

NM_032359.4(CMSS1):c.64+106369C>T

Genes: CMSS1 (cms1 ribosomal small subunit homolog; plus strand), FILIP1L (filamin A interacting protein 1 like; minus strand), LOC105374010 (uncharacterized LOC105374010; plus strand). Cytogenetic location: 3q12.1.
Variant type: single nucleotide variant.
Coding change: c.64+106369C>T on transcript NM_032359.4 (MANE Select); 106369 bases into the intron after coding-DNA position 64, C replaced by T.
Molecular consequence: intron variant.
Genome position (GRCh38, 1-based): chr3:99,924,412, C>T. VCF-style: chr3-99924412-C-T. GRCh37 (hg19) VCF-style: chr3-99643256-C-T.
Other names: c.427-4G>A (NM_001387852.1, NM_001387850.1, NM_182909.4 and 1 more transcripts).
Identifiers: ClinVar variation 3043148 (VCV003043148.2), dbSNP rs138171100, ClinGen allele CA2513773.